The following is an entry in ClinVar:

ClinVar aggregate classification (germline): Likely benign. Review status: criteria provided, multiple submitters, no conflicts (2 of 4 stars). 2 submissions from 2 submitters: Likely benign (2). Last evaluated 2026-01-25.

Conditions:
Hypertrophic cardiomyopathy. Also called: HYPERTROPHIC MYOCARDIOPATHY. Identifiers: Orphanet 217569, MedGen C0007194, MeSH D002312, MONDO:0005045, HP:0001639.

Allele frequency attached by ClinVar (database versions not stated): gnomAD exomes 0.00001; ExAC 0.00002; TOPMed 0.00004; gnomAD 0.00005; ESP Exome Variant Server 0.00008.
gnomAD v4.1: 12 of 1,592,112 alleles (0.00075%); highest among the groups gnomAD compares: African/African-American, 0.015%; no homozygotes.

Submissions (2):

Labcorp Genetics (formerly Invitae), Labcorp
Classification: Likely benign for Hypertrophic cardiomyopathy. Last evaluated: 2026-01-25. Review status: criteria provided, single submitter. Criteria: Invitae Variant Classification Sherloc (09022015). Collection method: clinical testing. Allele origin: germline.

GeneDx
Classification: Likely benign. Last evaluated: 2018-03-16. Review status: criteria provided, single submitter. Criteria: GeneDx Variant Classification (06012015). Collection method: clinical testing. Allele origin: germline. Affected: yes.
Comment: This variant is considered likely benign or benign based on one or more of the following criteria: it is a conservative change, it occurs at a poorly conserved position in the protein, it is predicted to be benign by multiple in silico algorithms, and/or has population frequency not consistent with disease.

NM_000256.3(MYBPC3):c.2413+14C>T

Gene: MYBPC3 (myosin binding protein C3; minus strand). Cytogenetic location: 11p11.2.
Variant type: single nucleotide variant.
Coding change: c.2413+14C>T on transcript NM_000256.3 (MANE Select); 14 bases into the intron after coding-DNA position 2413, C replaced by T.
Molecular consequence: intron variant.
Genome position (GRCh38, 1-based): chr11:47,337,676, G>A on the plus strand (C>T on the coding strand, the complement: MYBPC3 is on the minus strand). VCF-style: chr11-47337676-G-A. GRCh37 (hg19) VCF-style: chr11-47359227-G-A.
Identifiers: ClinVar variation 670030 (VCV000670030.6), dbSNP rs371889003, ClinGen allele CA049629.